The following is an entry in ClinVar:

NM_001172509.2(SATB2):c.1569G>A (p.Trp523Ter)

Gene: SATB2 (SATB homeobox 2; minus strand). Cytogenetic location: 2q33.1.
Variant type: single nucleotide variant.
Coding change: c.1569G>A on transcript NM_001172509.2 (MANE Select); coding-DNA position 1569, G replaced by A.
Protein change: p.Trp523Ter; replaces tryptophan 523 with a stop codon.
Molecular consequence: nonsense.
Genome position (GRCh38, 1-based): chr2:199,308,931, C>T on the plus strand (G>A on the coding strand, the complement: SATB2 is on the minus strand). VCF-style: chr2-199308931-C-T. GRCh37 (hg19) VCF-style: chr2-200173654-C-T.
Other names: c.1569G>A (NM_015265.3); c.1569G>A, p.Trp523Ter (NM_001172517.1, NM_015265.4); short protein forms W523*.
Identifiers: ClinVar variation 2101013 (VCV002101013.5), dbSNP rs2468839281, ClinGen allele CA350384635.
Genomic context (GRCh38, chr2:199,308,931, plus strand): 5'-GCGACGGATGGTACAGAGGTTTTCCCAGAGGGTGCGGTTTTCTGGGCTTGGGTTCTCCTT[C>T]CAGCGGAGCAGTTCACACAGCCAGCCCTGTAGAGAGAGGAGGTCGCTTGCATTAACCTGC-3'

ClinVar aggregate classification (germline): Pathogenic/Likely pathogenic. Review status: criteria provided, multiple submitters, no conflicts (2 of 4 stars). 2 submissions from 2 submitters: Pathogenic (1); Likely pathogenic (1). Last evaluated 2022-10-12.

Conditions:
SATB2-related disorder. Also called: SATB2-related condition.
Chromosome 2q32-q33 deletion syndrome (GLASS). Also called: Glass syndrome; 2q33.1 deletion syndrome. Identifiers: Orphanet 251019, MedGen C2676739, MONDO:0012864, OMIM 612313.

Submissions (2):

PreventionGenetics, part of Exact Sciences
Classification: Likely pathogenic for SATB2-related condition. Last evaluated: 2022-10-12. Review status: criteria provided, single submitter. Criteria: ACMG Guidelines, 2015. Collection method: clinical testing. Allele origin: germline.
Comment: The SATB2 c.1569G>A variant is predicted to result in premature protein termination (p.Trp523*). To our knowledge, this variant has not been reported in the literature or in a large population database, indicating this variant is rare. Nonsense variants in SATB2 are expected to be pathogenic, and therefore we interpret c.1569G>A (p.Trp523*) as likely pathogenic.

Labcorp Genetics (formerly Invitae), Labcorp
Classification: Pathogenic for Chromosome 2q32-q33 deletion syndrome. Last evaluated: 2022-02-21. Review status: criteria provided, single submitter. Criteria: Invitae Variant Classification Sherloc (09022015). Collection method: clinical testing. Allele origin: germline.
Comment: For these reasons, this variant has been classified as Pathogenic. This variant has not been reported in the literature in individuals affected with SATB2-related conditions. This variant is not present in population databases (gnomAD no frequency). This sequence change creates a premature translational stop signal (p.Trp523*) in the SATB2 gene. It is expected to result in an absent or disrupted protein product. Loss-of-function variants in SATB2 are known to be pathogenic (PMID: 25885067).

Literature cited by the submitters: PubMed 25885067 (cited by Labcorp Genetics (formerly Invitae), Labcorp).